The following is an entry in ClinVar:

ClinVar aggregate classification (germline): Uncertain significance. Review status: criteria provided, multiple submitters, no conflicts (2 of 4 stars). 2 submissions from 2 submitters: Uncertain significance (2). Last evaluated 2026-03-12.

Conditions:
Familial thoracic aortic aneurysm and aortic dissection (TAAD). Also called: Thoracic aortic aneurysms and dissections. Identifiers: Orphanet 91387, MedGen C4707243, MONDO:0019625.
Adams-Oliver syndrome 5 (AOS5). Identifiers: Orphanet 974, MedGen C4014970, MONDO:0014459, OMIM 616028.

Allele frequency attached by ClinVar (database versions not stated): gnomAD exomes below 0.00001; ExAC 0.00001.
gnomAD v4.1: 1 of 1,612,922 alleles (0.000062%); highest among the groups gnomAD compares: Non-Finnish European, 0.000085%; no homozygotes.

Submissions (2):

Ambry Genetics
Classification: Uncertain significance for Familial thoracic aortic aneurysm and aortic dissection. Last evaluated: 2026-03-12. Review status: criteria provided, single submitter. Criteria: Ambry Variant Classification Scheme 2023. Collection method: clinical testing. Allele origin: germline.
Comment: The p.S2290N variant (also known as c.6869G>A), located in coding exon 34 of the NOTCH1 gene, results from a G to A substitution at nucleotide position 6869. The serine at codon 2290 is replaced by asparagine, an amino acid with highly similar properties. This amino acid position is conserved. In addition, this alteration is predicted to be tolerated by in silico analysis. Based on the available evidence, the clinical significance of this variant remains unclear.

Labcorp Genetics (formerly Invitae), Labcorp
Classification: Uncertain significance for Adams-Oliver syndrome 5. Last evaluated: 2021-08-11. Review status: criteria provided, single submitter. Criteria: Invitae Variant Classification Sherloc (09022015). Collection method: clinical testing. Allele origin: germline.
Comment: This variant has not been reported in the literature in individuals affected with NOTCH1-related conditions. This variant is present in population databases (rs763183789, ExAC 0.002%). This sequence change replaces serine with asparagine at codon 2290 of the NOTCH1 protein (p.Ser2290Asn). The serine residue is weakly conserved and there is a small physicochemical difference between serine and asparagine. Advanced modeling of protein sequence and biophysical properties (such as structural, functional, and spatial information, amino acid conservation, physicochemical variation, residue mobility, and thermodynamic stability) performed at Invitae indicates that this missense variant is not expected to disrupt NOTCH1 protein function. In summary, the available evidence is currently insufficient to determine the role of this variant in disease. Therefore, it has been classified as a Variant of Uncertain Significance.

NM_017617.5(NOTCH1):c.6869G>A (p.Ser2290Asn)

Gene: NOTCH1 (notch receptor 1; minus strand). Cytogenetic location: 9q34.3.
Variant type: single nucleotide variant.
Coding change: c.6869G>A on transcript NM_017617.5 (MANE Select); coding-DNA position 6869, G replaced by A.
Protein change: p.Ser2290Asn; replaces serine 2290 with asparagine.
Molecular consequence: missense variant.
Genome position (GRCh38, 1-based): chr9:136,496,870, C>T on the plus strand (G>A on the coding strand, the complement: NOTCH1 is on the minus strand). VCF-style: chr9-136496870-C-T. GRCh37 (hg19) VCF-style: chr9-139391322-C-T.
Other names: c.6869G>A (NM_017617.3); short protein forms S2290N.
Identifiers: ClinVar variation 1373968 (VCV001373968.7), dbSNP rs763183789, ClinGen allele CA5339803.
Genomic context (GRCh38, chr9:136,496,870, plus strand): 5'-CACTCGCATTGACCATTCAAACTGGTGGACCCGCCCACAGTGAAATTCAGGGCCCCTCCG[C>T]TGCTGGAGCCCAGGACGGTGCTGGTGCCAGAGGCCACAGGCAGGTGGGAGAGACGAGGTG-3'
Protein context (NP_060087.3, residues 2280-2300): SGTSTVLGSS[Ser2290Asn]GGALNFTVGG